The following is an entry in ClinVar:

NM_001005388.3(NFASC):c.22C>T (p.Pro8Ser)

Gene: NFASC (neurofascin; plus strand). Cytogenetic location: 1q32.1.
Variant type: single nucleotide variant.
Coding change: c.22C>T on transcript NM_001005388.3 (MANE Select); coding-DNA position 22, C replaced by T.
Protein change: p.Pro8Ser; replaces proline 8 with serine.
Molecular consequence: missense variant. On other transcripts: non-coding transcript variant (1).
Genome position (GRCh38, 1-based): chr1:204,944,337, C>T. VCF-style: chr1-204944337-C-T. GRCh37 (hg19) VCF-style: chr1-204913465-C-T.
Other names: c.22C>T (NM_001005388.2); c.22C>T, p.Pro8Ser (NM_001005389.2, NM_001160331.2, NM_001160332.2 and 6 more transcripts); short protein forms P8S.
Identifiers: ClinVar variation 1805234 (VCV001805234.5), dbSNP rs375852982, ClinGen allele CA1349367.

ClinVar aggregate classification (germline): Conflicting classifications of pathogenicity. Review status: criteria provided, conflicting classifications (1 of 4 stars). 4 submissions from 4 submitters: Uncertain significance (2); Likely benign (1). 1 of the submissions does not count toward it. Last evaluated 2025-12-09.

Conditions:
NFASC-related disorder. Also called: NFASC-related condition.
Inborn genetic diseases. Identifiers: MedGen C0950123, MeSH D030342.
Neurodevelopmental disorder with central and peripheral motor dysfunction. Identifiers: MedGen C5193049, MONDO:0032698, OMIM 618356.

Allele frequency attached by ClinVar (database versions not stated): ESP Exome Variant Server 0.00008; ExAC 0.00064; 1000 Genomes Project 30x 0.00156; 1000 Genomes Project 0.00100; TOPMed 0.00013; gnomAD 0.00030; gnomAD exomes 0.00032.
gnomAD v4.1: 532 of 1,613,840 alleles (0.033%); highest among the groups gnomAD compares: South Asian, 0.36%; 3 homozygotes.

Submissions (4):

Ambry Genetics
Classification: Likely benign for Inborn genetic diseases. Last evaluated: 2025-12-09. Review status: criteria provided, single submitter. Criteria: Ambry Variant Classification Scheme 2023. Collection method: clinical testing. Allele origin: germline.

GeneDx
Classification: Uncertain significance. Last evaluated: 2023-01-06. Review status: criteria provided, single submitter. Criteria: GeneDx Variant Classification Process June 2021. Collection method: clinical testing. Allele origin: germline. Affected: yes.
Comment: In silico analysis supports that this missense variant does not alter protein structure/function; Has not been previously published as pathogenic or benign to our knowledge

Victorian Clinical Genetics Services, Murdoch Childrens Research Institute
Classification: Uncertain significance for Neurodevelopmental disorder with central and peripheral motor dysfunction. Last evaluated: 2022-02-02. Review status: criteria provided, single submitter. Criteria: ACMG Guidelines, 2015. Collection method: clinical testing. Allele origin: germline. Inheritance: Autosomal recessive inheritance. Affected: yes.
Comment: Based on the classification scheme VCGS_Germline_v1.3.4, this variant is classified as VUS-3B. Following criteria are met: 0102 - Loss of function is a known mechanism of disease in this gene and is associated with neurodevelopmental disorder with central and peripheral motor dysfunction (MIM#618356). (I) 0106 - This gene is associated with autosomal recessive disease. (I) 0200 - Variant is predicted to result in a missense amino acid change from proline to serine. (I) 0252 - This variant is homozygous. (I) 0304 - Variant is present in gnomAD (v2) <0.01 for a recessive condition (138 heterozygotes, 0 homozygotes). (SP) 0502 - Missense variant with conflicting in silico predictions and uninformative conservation. (I) 0604 - Variant is not located in an established domain, motif, hotspot or informative constraint region. (I) 0705 - No comparable missense variants have previous evidence for pathogenicity. (I) 0807 - This variant has no previous evidence of pathogenicity. (I) 0905 - No published segregation evidence has been identified for this variant. (I) 1007 - No published functional evidence has been identified for this variant. (I) 1208 - Inheritance information for this variant is not currently available in this individual. (I) Legend: (SP) - Supporting pathogenic, (I) - Information, (SB) - Supporting benign

PreventionGenetics, part of Exact Sciences
Classification: Likely benign for NFASC-related condition. Last evaluated: 2022-11-22. Review status: no assertion criteria provided. Collection method: clinical testing. Allele origin: germline. Not counted in ClinVar's aggregate classification.
Comment: This variant is classified as likely benign based on ACMG/AMP sequence variant interpretation guidelines (Richards et al. 2015 PMID: 25741868, with internal and published modifications).